The following is an entry in ClinVar:

ClinVar aggregate classification (germline): Pathogenic/Likely pathogenic. Review status: criteria provided, multiple submitters, no conflicts (2 of 4 stars). 2 submissions from 2 submitters: Pathogenic (1); Likely pathogenic (1). Last evaluated 2023-05-27.

Conditions:
TSHR-related disorder. Also called: TSHR-related condition; TSHR-related disorders.

Allele frequency attached by ClinVar (database versions not stated): ExAC 0.00001.
gnomAD v4.1: 5 of 1,613,364 alleles (0.00031%); highest among the groups gnomAD compares: Admixed American, 0.0083%; no homozygotes.

Submissions (2):

Labcorp Genetics (formerly Invitae), Labcorp
Classification: Pathogenic. Last evaluated: 2023-05-27. Review status: criteria provided, single submitter. Criteria: Invitae Variant Classification Sherloc (09022015). Collection method: clinical testing. Allele origin: germline.
Comment: For these reasons, this variant has been classified as Pathogenic. This variant has not been reported in the literature in individuals affected with TSHR-related conditions. This variant is present in population databases (rs776455236, gnomAD 0.01%). This sequence change creates a premature translational stop signal (p.Gly223*) in the TSHR gene. It is expected to result in an absent or disrupted protein product. Loss-of-function variants in TSHR are known to be pathogenic (PMID: 8954020).

Blueprint Genetics
Classification: Likely pathogenic for TSHR-related disorders. Last evaluated: 2020-01-13. Review status: criteria provided, single submitter. Criteria: ACMG Guidelines, 2015. Collection method: clinical testing. Allele origin: germline. Affected: yes. Observed: 1 variant allele.

Literature cited by the submitters: PubMed 8954020 (cited by Labcorp Genetics (formerly Invitae), Labcorp).

NM_000369.5(TSHR):c.667G>T (p.Gly223Ter)

Genes: TSHR (thyroid stimulating hormone receptor; plus strand), TSHR-AS1 (TSHR antisense RNA 1; minus strand). Cytogenetic location: 14q31.1.
Variant type: single nucleotide variant.
Coding change: c.667G>T on transcript NM_000369.5 (MANE Select); coding-DNA position 667, G replaced by T.
Protein change: p.Gly223Ter; replaces glycine 223 with a stop codon.
Molecular consequence: nonsense.
Genome position (GRCh38, 1-based): chr14:81,108,427, G>T. VCF-style: chr14-81108427-G-T. GRCh37 (hg19) VCF-style: chr14-81574771-G-T.
Other names: c.667G>T, p.Gly223Ter (NM_001018036.3, NM_001142626.3); short protein forms G223*.
Identifiers: ClinVar variation 2790024 (VCV002790024.4), dbSNP rs776455236, ClinGen allele CA7294224.